The following is an entry in ClinVar:

NM_006904.7(PRKDC):c.9981C>A (p.Asn3327Lys)

Gene: PRKDC (protein kinase, DNA-activated, catalytic subunit; minus strand). Cytogenetic location: 8q11.21.
Variant type: single nucleotide variant.
Coding change: c.9981C>A on transcript NM_006904.7 (MANE Select); coding-DNA position 9981, C replaced by A.
Protein change: p.Asn3327Lys; replaces asparagine 3327 with lysine.
Molecular consequence: missense variant.
Genome position (GRCh38, 1-based): chr8:47,800,928, G>T on the plus strand (C>A on the coding strand, the complement: PRKDC is on the minus strand). VCF-style: chr8-47800928-G-T. GRCh37 (hg19) VCF-style: chr8-48713489-G-T.
Other names: c.9981C>A, p.Asn3327Lys (NM_001081640.2); short protein forms N3327K.
Identifiers: ClinVar variation 2058906 (VCV002058906.4), dbSNP rs559743703, ClinGen allele CA371135836.

ClinVar aggregate classification (germline): Uncertain significance (1 of 4 stars; one submission).

Conditions:
Severe combined immunodeficiency due to DNA-PKcs deficiency. Also called: IMMUNODEFICIENCY 26 WITH NEUROLOGIC ABNORMALITIES; Immunodeficiency 26 with or without neurologic abnormalities. Identifiers: Orphanet 317425, MedGen C4014833, MONDO:0014423, OMIM 615966.

gnomAD v4.1: 3 of 1,613,984 alleles (0.00019%); highest among the groups gnomAD compares: Non-Finnish European, 0.00025%; no homozygotes.

Submission:

Labcorp Genetics (formerly Invitae), Labcorp
Classification: Uncertain significance for Severe combined immunodeficiency due to DNA-PKcs deficiency. Last evaluated: 2021-12-24. Review status: criteria provided, single submitter. Criteria: Invitae Variant Classification Sherloc (09022015). Collection method: clinical testing. Allele origin: germline.
Comment: This sequence change replaces asparagine, which is neutral and polar, with lysine, which is basic and polar, at codon 3327 of the PRKDC protein (p.Asn3327Lys). This variant is not present in population databases (gnomAD no frequency). This variant has not been reported in the literature in individuals affected with PRKDC-related conditions. In summary, the available evidence is currently insufficient to determine the role of this variant in disease. Therefore, it has been classified as a Variant of Uncertain Significance.